The following is an entry in ClinVar:

NM_000381.4(MID1):c.631G>C (p.Ala211Pro)

Gene: MID1 (midline 1; minus strand). Cytogenetic location: Xp22.2.
Variant type: single nucleotide variant.
Coding change: c.631G>C on transcript NM_000381.4 (MANE Select); coding-DNA position 631, G replaced by C.
Protein change: p.Ala211Pro; replaces alanine 211 with proline.
Molecular consequence: missense variant. On other transcripts: intron variant (2).
Genome position (GRCh38, 1-based): chrX:10,566,917, C>G on the plus strand (G>C on the coding strand, the complement: MID1 is on the minus strand). VCF-style: chrX-10566917-C-G. GRCh37 (hg19) VCF-style: chrX-10534957-C-G.
Other names: c.631G>C, p.Ala211Pro (NM_001193278.1, NM_001193279.1, NM_001347733.2 and 3 more transcripts); c.546+85G>C (NM_033289.2, NM_001193280.1); c.631G>C (NM_000381.3); short protein forms A211P.
Identifiers: ClinVar variation 3372210 (VCV003372210.2).

ClinVar aggregate classification (germline): Uncertain significance. Review status: criteria provided, multiple submitters, no conflicts (2 of 4 stars). 2 submissions from 2 submitters: Uncertain significance (2). Last evaluated 2026-03-23.

Conditions:
Inborn genetic diseases. Identifiers: MedGen C0950123, MeSH D030342.

Submissions (2):

Ambry Genetics
Classification: Uncertain significance for Inborn genetic diseases. Last evaluated: 2026-03-23. Review status: criteria provided, single submitter. Criteria: Ambry Variant Classification Scheme 2023. Collection method: clinical testing. Allele origin: germline.

GeneDx
Classification: Uncertain significance. Last evaluated: 2024-04-30. Review status: criteria provided, single submitter. Criteria: GeneDx Variant Classification Process June 2021. Collection method: clinical testing. Allele origin: germline. Affected: yes.
Comment: Has not been previously published as pathogenic or benign to our knowledge; Not observed at significant frequency in large population cohorts (gnomAD); In silico analysis indicates that this missense variant does not alter protein structure/function